The following is an entry in ClinVar:

NM_000245.4(MET):c.791T>C (p.Val264Ala)

Gene: MET (MET proto-oncogene, receptor tyrosine kinase; plus strand). Cytogenetic location: 7q31.2.
Variant type: single nucleotide variant.
Coding change: c.791T>C on transcript NM_000245.4 (MANE Select); coding-DNA position 791, T replaced by C.
Protein change: p.Val264Ala; replaces valine 264 with alanine.
Molecular consequence: missense variant. On other transcripts: intron variant (1).
Genome position (GRCh38, 1-based): chr7:116,699,875, T>C. VCF-style: chr7-116699875-T-C. GRCh37 (hg19) VCF-style: chr7-116339929-T-C.
Other names: c.791T>C, p.Val264Ala (NM_001127500.3, NM_001324401.3); c.-91+27298T>C (NM_001324402.2); short protein forms V264A.
Identifiers: ClinVar variation 1761229 (VCV001761229.3), dbSNP rs2116597970, ClinGen allele CA368969862.

ClinVar aggregate classification (germline): Uncertain significance (1 of 4 stars; one submission).

Conditions:
Hereditary cancer-predisposing syndrome. Also called: Neoplastic Syndromes, Hereditary; Tumor predisposition; Hereditary Cancer Syndrome; Hereditary neoplastic syndrome. Identifiers: Orphanet 140162, MedGen C0027672, MeSH D009386, MONDO:0015356.

Allele frequency attached by ClinVar (database versions not stated): gnomAD exomes below 0.00001.

Submission:

Ambry Genetics
Classification: Uncertain significance for Hereditary cancer-predisposing syndrome. Last evaluated: 2025-06-25. Review status: criteria provided, single submitter. Criteria: Ambry Variant Classification Scheme 2023. Collection method: clinical testing. Allele origin: germline.
Comment: The p.V264A variant (also known as c.791T>C), located in coding exon 1 of the MET gene, results from a T to C substitution at nucleotide position 791. The valine at codon 264 is replaced by alanine, an amino acid with similar properties. This amino acid position is highly conserved in available vertebrate species. In addition, the in silico prediction for this alteration is inconclusive. Based on the available evidence, the clinical significance of this variant remains unclear.